The following is an entry in ClinVar:

NM_000548.5(TSC2):c.4324G>T (p.Glu1442Ter)

Gene: TSC2 (TSC complex subunit 2; plus strand). Cytogenetic location: 16p13.3.
Variant type: single nucleotide variant.
Coding change: c.4324G>T on transcript NM_000548.5 (MANE Select); coding-DNA position 4324, G replaced by T.
Protein change: p.Glu1442Ter; replaces glutamic acid 1442 with a stop codon.
Molecular consequence: nonsense.
Genome position (GRCh38, 1-based): chr16:2,084,546, G>T. VCF-style: chr16-2084546-G-T. GRCh37 (hg19) VCF-style: chr16-2134547-G-T.
Other names: c.4123G>T, p.Glu1375Ter (NM_001077183.3); c.4255G>T, p.Glu1419Ter (NM_001114382.3); c.4015G>T, p.Glu1339Ter (NM_001318827.2); c.3979G>T, p.Glu1327Ter (NM_001318829.2); c.3592G>T, p.Glu1198Ter (NM_001318831.2); c.4156G>T, p.Glu1386Ter (NM_001318832.2); c.4126G>T, p.Glu1376Ter (NM_001363528.2); c.4192G>T, p.Glu1398Ter (NM_001370404.1); and 1 more; short protein forms E1442*, E1386*, E1198*, E1398*, E1399*, E1327*, E1339*, E1419*.
Identifiers: ClinVar variation 427995 (VCV000427995.8), dbSNP rs45469392, ClinGen allele CA394301349.

ClinVar aggregate classification (germline): Pathogenic. Review status: criteria provided, multiple submitters, no conflicts (2 of 4 stars). 2 submissions from 2 submitters: Pathogenic (2). Last evaluated 2023-08-11.

Conditions:
Hereditary cancer-predisposing syndrome. Also called: Hereditary neoplastic syndrome; Tumor predisposition; Neoplastic Syndromes, Hereditary; Hereditary Cancer Syndrome. Identifiers: Orphanet 140162, MedGen C0027672, MeSH D009386, MONDO:0015356.
Tuberous sclerosis 2 (TSC2). Identifiers: Orphanet 805, MedGen C1860707, MONDO:0013199, OMIM 613254.

Submissions (2):

Labcorp Genetics (formerly Invitae), Labcorp
Classification: Pathogenic for Tuberous sclerosis 2. Last evaluated: 2023-08-11. Review status: criteria provided, single submitter. Criteria: Invitae Variant Classification Sherloc (09022015). Collection method: clinical testing. Allele origin: germline.
Comment: This variant has not been reported in the literature in individuals affected with TSC2-related conditions. This variant is not present in population databases (gnomAD no frequency). This sequence change creates a premature translational stop signal (p.Glu1442*) in the TSC2 gene. It is expected to result in an absent or disrupted protein product. Loss-of-function variants in TSC2 are known to be pathogenic (PMID: 10205261, 17304050). For these reasons, this variant has been classified as Pathogenic. ClinVar contains an entry for this variant (Variation ID: 427995).

Ambry Genetics
Classification: Pathogenic for Hereditary cancer-predisposing syndrome. Last evaluated: 2016-07-19. Review status: criteria provided, single submitter. Criteria: Ambry Variant Classification Scheme 2023. Collection method: clinical testing. Allele origin: germline.
Comment: The p.E1442* pathogenic mutation (also known as c.4324G>T), located in coding exon 33 of the TSC2 gene, results from a G to T substitution at nucleotide position 4324. This changes the amino acid from a glutamic acid to a stop codon within coding exon 33. This alteration is expected to result in loss of function by premature protein truncation or nonsense-mediated mRNA decay. As such, this alteration is interpreted as a disease-causing mutation.

Literature cited by the submitters: PubMed 10205261 (cited by Labcorp Genetics (formerly Invitae), Labcorp); PubMed 17304050 (cited by Labcorp Genetics (formerly Invitae), Labcorp).